The following is an entry in ClinVar:

NM_006846.4(SPINK5):c.410+1G>T

Gene: SPINK5 (serine peptidase inhibitor Kazal type 5; plus strand). Cytogenetic location: 5q32.
Variant type: single nucleotide variant.
Coding change: c.410+1G>T on transcript NM_006846.4 (MANE Select); the canonical splice donor site of the intron after coding-DNA position 410, G replaced by T.
Molecular consequence: splice donor variant.
Genome position (GRCh38, 1-based): chr5:148,086,533, G>T. VCF-style: chr5-148086533-G-T. GRCh37 (hg19) VCF-style: chr5-147466096-G-T.
Other names: c.410+1G>T (NM_001127698.2, NM_001127699.2).
Identifiers: ClinVar variation 4796791 (VCV004796791.1).
Genomic context (GRCh38, chr5:148,086,533, plus strand): 5'-TGTTTGTGGCACAGATGGGAAAACATATGACAACAGATGTGCACTGTGTGCTGAGAATGC[G>T]TGAGTATTCTCTGAAGTAGGCTTTCTCCCTAAAACGTGTTCTCTCTATAATTACATGACA-3'

ClinVar aggregate classification (germline): Pathogenic (1 of 4 stars; one submission).

Conditions:
Netherton syndrome (NETH). Also called: ERYTHRODERMA, ICHTHYOSIFORM, WITH HYPOTRICHOSIS AND HYPER-IgE; COMEL-NETHERTON SYNDROME; NETHERTON DISEASE. Identifiers: Orphanet 634, MedGen C5574950, MONDO:0009735, OMIM 256500.

Submission:

MVZ Medizinische Genetik Mainz
Classification: Pathogenic for Netherton syndrome. Last evaluated: 2026-02-06. Review status: criteria provided, single submitter. Criteria: UK Practice Guidelines For Variant Classification V4 01 2020. Collection method: clinical testing. Allele origin: germline. Inheritance: Autosomal recessive inheritance. Affected: yes. Observed: 1 variant allele.
Comment: ACMG Criteria: PVS1,PS1_SUP,PM2_SUP